The following is an entry in ClinVar:

ClinVar aggregate classification (germline): Conflicting classifications of pathogenicity. Review status: criteria provided, conflicting classifications (1 of 4 stars). 4 submissions from 4 submitters: Uncertain significance (1); Likely benign (3). Last evaluated 2025-12-29.

Conditions:
Hypertrophic cardiomyopathy. Also called: HYPERTROPHIC MYOCARDIOPATHY. Identifiers: Orphanet 217569, MedGen C0007194, MeSH D002312, MONDO:0005045, HP:0001639.
Cardiomyopathy (CMYO). Also called: Cardiomyopathies. Identifiers: Orphanet 167848, MedGen C0878544, MONDO:0004994, HP:0001638. Inheritance: Various modes of inheritance.

Allele frequency attached by ClinVar (database versions not stated): ExAC 0.00001; gnomAD 0.00001; gnomAD exomes 0.00001; TOPMed 0.00001.

Submissions (4):

Labcorp Genetics (formerly Invitae), Labcorp
Classification: Uncertain significance for Hypertrophic cardiomyopathy. Last evaluated: 2025-12-29. Review status: criteria provided, single submitter. Criteria: Invitae Variant Classification Sherloc (09022015). Collection method: clinical testing. Allele origin: germline.
Comment: This sequence change falls in intron 23 of the MYH7 gene. It does not directly change the encoded amino acid sequence of the MYH7 protein. It affects a nucleotide within the consensus splice site. This variant is present in population databases (rs781192476, gnomAD 0.0009%). This variant has not been reported in the literature in individuals affected with MYH7-related conditions. ClinVar contains an entry for this variant (Variation ID: 312907). Variants that disrupt the consensus splice site are a relatively common cause of aberrant splicing (PMID: 17576681, 9536098). Algorithms developed to predict the effect of sequence changes on RNA splicing suggest that this variant is not likely to affect RNA splicing. In summary, the available evidence is currently insufficient to determine the role of this variant in disease. Therefore, it has been classified as a Variant of Uncertain Significance.

Blueprint Genetics
Classification: Likely benign. Last evaluated: 2024-11-14. Review status: criteria provided, single submitter. Criteria: ACMG Guidelines, 2015. Collection method: clinical testing. Allele origin: germline.

All of Us Research Program, National Institutes of Health
Classification: Likely benign for Cardiomyopathy. Last evaluated: 2023-12-18. Review status: criteria provided, single submitter. Criteria: ACMG Guidelines, 2015. Collection method: clinical testing. Allele origin: germline. Inheritance: Autosomal dominant inheritance. Observed: 4 variant alleles, 4 heterozygotes.
Comment: This study involves interpretation of variants in research participants for the purpose of population health screening. Participant phenotype was not available at the time of variant classification. Additional details can be found in publication PMID: 35346344, PMCID: PMC8962531

Color Diagnostics, LLC DBA Color Health
Classification: Likely benign for Cardiomyopathy. Last evaluated: 2019-06-13. Review status: criteria provided, single submitter. Criteria: ACMG Guidelines, 2015. Collection method: clinical testing. Allele origin: germline.

Literature cited by the submitters: PubMed 17576681 (cited by Labcorp Genetics (formerly Invitae), Labcorp); PubMed 9536098 (cited by Labcorp Genetics (formerly Invitae), Labcorp).

NM_000257.4(MYH7):c.2922+6G>C

Gene: MYH7 (myosin heavy chain 7; minus strand). Cytogenetic location: 14q11.2.
Variant type: single nucleotide variant.
Coding change: c.2922+6G>C on transcript NM_000257.4 (MANE Select); 6 bases into the intron after coding-DNA position 2922, G replaced by C.
Molecular consequence: intron variant.
Genome position (GRCh38, 1-based): chr14:23,423,901, C>G on the plus strand (G>C on the coding strand, the complement: MYH7 is on the minus strand). VCF-style: chr14-23423901-C-G. GRCh37 (hg19) VCF-style: chr14-23893110-C-G.
Other names: c.2922+6G>C (LRG_384t1).
Identifiers: ClinVar variation 312907 (VCV000312907.15), dbSNP rs781192476, ClinGen allele CA034769.
Genomic context (GRCh38, chr14:23,423,901, plus strand): 5'-TCAAGGTCAGTATGGTCTGAGAGTCCTGATGAGACCCGGGCTGGAGCCAAAGGGAGCTGC[C>G]CTTACCTTGTTCTCTGTTGCGTGTTTCTCCTTCTCCACTTTGGCCAGTGTCAGCTCCAGA-3'